The following is an entry in ClinVar:

NM_172107.4(KCNQ2):c.1682C>G (p.Pro561Arg)

Gene: KCNQ2 (potassium voltage-gated channel subfamily Q member 2; minus strand). Cytogenetic location: 20q13.33.
Variant type: single nucleotide variant.
Coding change: c.1682C>G on transcript NM_172107.4 (MANE Select); coding-DNA position 1682, C replaced by G.
Protein change: p.Pro561Arg; replaces proline 561 with arginine.
Molecular consequence: missense variant.
Genome position (GRCh38, 1-based): chr20:63,413,531, G>C on the plus strand (C>G on the coding strand, the complement: KCNQ2 is on the minus strand). VCF-style: chr20-63413531-G-C. GRCh37 (hg19) VCF-style: chr20-62044884-G-C.
Other names: c.1628C>G, p.Pro543Arg (NM_001382235.1, NM_172106.3); c.1598C>G, p.Pro533Arg (NM_004518.6); c.1589C>G, p.Pro530Arg (NM_172108.5); short protein forms P533R, P561R, P530R, P543R.
Identifiers: ClinVar variation 943803 (VCV000943803.10), dbSNP rs796052652, ClinGen allele CA409643798.

ClinVar aggregate classification (germline): Uncertain significance (1 of 4 stars; one submission).

Conditions:
Early-infantile DEE. Also called: Early infantile epileptic encephalopathy; Ohtahara syndrome; Early infantile epileptic encephalopathy with suppression bursts. Identifiers: Orphanet 1934, MedGen C0393706, MONDO:0800491.

Submission:

Labcorp Genetics (formerly Invitae), Labcorp
Classification: Uncertain significance for Early-infantile DEE. Last evaluated: 2019-08-28. Review status: criteria provided, single submitter. Criteria: Invitae Variant Classification Sherloc (09022015). Collection method: clinical testing. Allele origin: germline.
Comment: This variant is not present in population databases (ExAC no frequency). This sequence change replaces proline with arginine at codon 561 of the KCNQ2 protein (p.Pro561Arg). The proline residue is highly conserved and there is a moderate physicochemical difference between proline and arginine. This variant has not been reported in the literature in individuals with KCNQ2-related conditions. Algorithms developed to predict the effect of missense changes on protein structure and function are either unavailable or do not agree on the potential impact of this missense change (SIFT: "Deleterious"; PolyPhen-2: "Probably Damaging"; Align-GVGD: "Class C0"). This variant disrupts the p.Pro561 amino acid residue in KCNQ2. Other variant(s) that disrupt this residue have been observed in individuals with KCNQ2-related conditions (PMID:23621294, 26993267), which suggests that this may be a clinically significant amino acid residue. In summary, the available evidence is currently insufficient to determine the role of this variant in disease. Therefore, it has been classified as a Variant of Uncertain Significance.

Literature cited by the submitters: PubMed 23621294; PubMed 26993267.